The following is an entry in ClinVar:

ClinVar aggregate classification (germline): Pathogenic (1 of 4 stars; one submission).

Conditions:
Hereditary cancer-predisposing syndrome. Also called: Tumor predisposition; Hereditary Cancer Syndrome; Hereditary neoplastic syndrome; Neoplastic Syndromes, Hereditary. Identifiers: Orphanet 140162, MedGen C0027672, MeSH D009386, MONDO:0015356.

Submission:

Ambry Genetics
Classification: Pathogenic for Hereditary cancer-predisposing syndrome. Last evaluated: 2025-07-16. Review status: criteria provided, single submitter. Criteria: Ambry Variant Classification Scheme 2023. Collection method: clinical testing. Allele origin: germline.
Comment: The p.Q556* pathogenic mutation (also known as c.1666C>T), located in coding exon 9 of the SMARCA4 gene, results from a C to T substitution at nucleotide position 1666. This changes the amino acid from a glutamine to a stop codon within coding exon 9. This variant is considered to be rare based on population cohorts in the Genome Aggregation Database (gnomAD). Loss-of-function variants in SMARCA4 are known to cause rhabdoid tumor predisposition syndrome including small cell carcinoma of the ovary-hypercalcemic type (SCCOHT); however, such associations with neurodevelopmental disorders are exceedingly rare (Kosho T et al. Am J Med Genet C Semin Med Genet. 2014 Sep;166C(3):262-75; Jelinic P et al. Nat Genet. 2014 May;46(5):424-6). Based on the supporting evidence, this alteration is pathogenic for rhabdoid tumor predisposition syndrome; however, the association of this alteration with Coffin-Siris syndrome is unlikely.

NM_003072.5(SMARCA4):c.1666C>T (p.Gln556Ter)

Gene: SMARCA4 (SWI/SNF related BAF chromatin remodeling complex subunit ATPase 4; plus strand). Cytogenetic location: 19p13.2.
Variant type: single nucleotide variant.
Coding change: c.1666C>T on transcript NM_003072.5 (MANE Select); coding-DNA position 1666, C replaced by T.
Protein change: p.Gln556Ter; replaces glutamine 556 with a stop codon.
Molecular consequence: nonsense. On other transcripts: non-coding transcript variant (1).
Genome position (GRCh38, 1-based): chr19:10,996,285, C>T. VCF-style: chr19-10996285-C-T. GRCh37 (hg19) VCF-style: chr19-11106961-C-T.
Other names: c.1666C>T, p.Gln556Ter (NM_001128844.3, NM_001128845.2, NM_001128846.2 and 5 more transcripts); short protein forms Q556*.
Identifiers: ClinVar variation 486490 (VCV000486490.6), dbSNP rs1555763642, ClinGen allele CA404064376.